The following is an entry in ClinVar:

ClinVar aggregate classification (germline): Uncertain significance. Review status: criteria provided, multiple submitters, no conflicts (2 of 4 stars). 2 submissions from 2 submitters: Uncertain significance (2). Last evaluated 2024-05-25.

Conditions:
DICER1-related tumor predisposition. Also called: DICER1 syndrome; DICER1-related pleuropulmonary blastoma cancer predisposition syndrome. Identifiers: Orphanet 284343, MedGen C3839822, MONDO:0100216.
Hereditary cancer-predisposing syndrome. Also called: Hereditary Cancer Syndrome; Neoplastic Syndromes, Hereditary; Hereditary neoplastic syndrome; Tumor predisposition. Identifiers: Orphanet 140162, MedGen C0027672, MeSH D009386, MONDO:0015356.

Submissions (2):

Ambry Genetics
Classification: Uncertain significance for Hereditary cancer-predisposing syndrome. Last evaluated: 2024-05-25. Review status: criteria provided, single submitter. Criteria: Ambry Variant Classification Scheme 2023. Collection method: clinical testing. Allele origin: germline.
Comment: The p.V1731F variant (also known as c.5191G>T), located in coding exon 23 of the DICER1 gene, results from a G to T substitution at nucleotide position 5191. The valine at codon 1731 is replaced by phenylalanine, an amino acid with highly similar properties. This amino acid position is conserved. In addition, this alteration is predicted to be deleterious by in silico analysis. Based on the available evidence, the clinical significance of this variant remains unclear.

Labcorp Genetics (formerly Invitae), Labcorp
Classification: Uncertain significance for DICER1-related tumor predisposition. Last evaluated: 2022-05-12. Review status: criteria provided, single submitter. Criteria: Invitae Variant Classification Sherloc (09022015). Collection method: clinical testing. Allele origin: germline.
Comment: This sequence change replaces valine, which is neutral and non-polar, with phenylalanine, which is neutral and non-polar, at codon 1731 of the DICER1 protein (p.Val1731Phe). This variant is not present in population databases (gnomAD no frequency). This variant has not been reported in the literature in individuals affected with DICER1-related conditions. Algorithms developed to predict the effect of missense changes on protein structure and function are either unavailable or do not agree on the potential impact of this missense change (SIFT: "Deleterious"; PolyPhen-2: "Possibly Damaging"; Align-GVGD: "Class C0"). In summary, the available evidence is currently insufficient to determine the role of this variant in disease. Therefore, it has been classified as a Variant of Uncertain Significance.

NM_177438.3(DICER1):c.5191G>T (p.Val1731Phe)

Gene: DICER1 (dicer 1, ribonuclease III; minus strand). Cytogenetic location: 14q32.13.
Variant type: single nucleotide variant.
Coding change: c.5191G>T on transcript NM_177438.3 (MANE Select); coding-DNA position 5191, G replaced by T.
Protein change: p.Val1731Phe; replaces valine 1731 with phenylalanine.
Molecular consequence: missense variant. On other transcripts: non-coding transcript variant (6).
Genome position (GRCh38, 1-based): chr14:95,094,061, C>A on the plus strand (G>T on the coding strand, the complement: DICER1 is on the minus strand). VCF-style: chr14-95094061-C-A. GRCh37 (hg19) VCF-style: chr14-95560398-C-A.
Other names: c.5191G>T, p.Val1731Phe (NM_001195573.1, NM_001271282.3, NM_001291628.2 and 9 more transcripts); c.4909G>T, p.Val1637Phe (NM_001395686.1); c.4786G>T, p.Val1596Phe (NM_001395687.1, NM_001395688.1, NM_001395689.1 and 1 more transcripts); c.4624G>T, p.Val1542Phe (NM_001395691.1); c.3508G>T, p.Val1170Phe (NM_001395697.1); short protein forms V1637F, V1170F, V1542F, V1596F, V1731F.
Identifiers: ClinVar variation 1993511 (VCV001993511.5), dbSNP rs1555366846, ClinGen allele CA390865245.